The following is an entry in ClinVar:

ClinVar aggregate classification (germline): Benign/Likely benign. Review status: criteria provided, multiple submitters, no conflicts (2 of 4 stars). 8 submissions from 8 submitters: Benign (5); Likely benign (2). 1 of the submissions does not count toward it. Last evaluated 2026-09-01.

Conditions:
Beckwith-Wiedemann syndrome (BWS). Also called: EMG SYNDROME; Exomphalos macroglossia gigantism syndrome. Identifiers: Orphanet 116, MedGen C0004903, MONDO:0007534, OMIM 130650.
IMAGe syndrome. Also called: Intrauterine growth retardation, metaphyseal dysplasia, adrenal hypoplasia congenita, and genital anomalies; Intrauterine Growth Restriction, Metaphyseal Dysplasia, Adrenal Hypoplasia Congenita, and Genital Anomalies. Identifiers: Orphanet 85173, MedGen C1846009, MONDO:0013873, OMIM 614732.

Submissions (8):

CeGaT Center for Human Genetics Tuebingen
Classification: Benign. Last evaluated: 2026-09-01. Review status: criteria provided, single submitter. Criteria: CeGaT Center For Human Genetics Tuebingen Variant Classification Criteria Version 2. Collection method: clinical testing. Allele origin: germline. Affected: yes. Observed: 62 variant alleles.
Comment: CDKN1C: BS1, BS2

Labcorp Genetics (formerly Invitae), Labcorp
Classification: Benign for Beckwith-Wiedemann syndrome. Last evaluated: 2026-01-31. Review status: criteria provided, single submitter. Criteria: Invitae Variant Classification Sherloc (09022015). Collection method: clinical testing. Allele origin: germline.

Laboratory of Genetics, Children's Clinical University Hospital Latvia
Classification: Likely benign. Last evaluated: 2025-02-16. Review status: criteria provided, single submitter. Criteria: ACMG Guidelines, 2015. Collection method: clinical testing. Allele origin: germline. Affected: yes.

Blueprint Genetics
Classification: Likely benign. Last evaluated: 2024-11-26. Review status: criteria provided, single submitter. Criteria: ACMG Guidelines, 2015. Collection method: clinical testing. Allele origin: germline.

Fulgent Genetics
Classification: Benign for Beckwith-Wiedemann syndrome; IMAGe syndrome. Last evaluated: 2021-08-15. Review status: criteria provided, single submitter. Criteria: ACMG Guidelines, 2015. Collection method: clinical testing. Allele origin: unknown.

Sema4
Classification: Benign for Beckwith-Wiedemann syndrome. Last evaluated: 2020-10-20. Review status: criteria provided, single submitter. Criteria: Sema4 Curation Guidelines. Collection method: curation. Allele origin: germline.

Eurofins Ntd Llc (ga)
Classification: Benign. Last evaluated: 2018-03-02. Review status: criteria provided, single submitter. Criteria: EGL ClinVar v180209 classification definitions. Collection method: clinical testing. Allele origin: germline. Observed: 4 variant alleles, 4 heterozygotes.

Genetic Services Laboratory, University of Chicago
Classification: Likely benign. Last evaluated: 2022-06-29. Review status: no assertion criteria provided. Collection method: clinical testing. Allele origin: germline. Affected: no. Not counted in ClinVar's aggregate classification.

NM_001122630.2(CDKN1C):c.573GGCCCC[3] (p.186AP[9])

Gene: CDKN1C (cyclin dependent kinase inhibitor 1C; minus strand). Cytogenetic location: 11p15.4.
Variant type: Indel.
Coding change: c.573GGCCCC[3] on transcript NM_001122630.2 (MANE Select); three copies in a row of the 6-base unit GGCCCC starting at c.573; the reference has four copies in a row; one copy, 6 bases deleted.
Protein change: p.186AP[9].
Molecular consequence: inframe deletion. On other transcripts: intron variant (1).
Genome position (GRCh38, 1-based): chr11:2,884,861-2,884,866, GGGGCC deleted on the plus strand (GGCCCC on the coding strand, the reverse complement: CDKN1C is on the minus strand); deleting any 6 consecutive bases within chr11:2,884,861-2,884,889 gives the same sequence; the position shown is the placement nearest the transcript's 3' end. VCF-style (leftmost placement, unchanged base first): chr11-2884860-GGGGGCC-G. GRCh37 (hg19) VCF-style: chr11-2906090-GGGGGCC-G.
Other names: c.624_629del (NM_000076.2); c.606GGCCCC[3], p.197AP[9] (NM_000076.2, NM_001362474.2); c.573GGCCCC[3], p.186AP[9] (NM_001122631.2); c.255+318GGCCCC[3] (NM_001362475.2); c.624_629delGGCCCC (NM_000076.2).
Identifiers: ClinVar variation 236967 (VCV000236967.42), dbSNP rs759134767, ClinGen allele CA10582893.